The following is an entry in ClinVar:

NM_000360.4(TH):c.222G>C (p.Glu74Asp)

Gene: TH (tyrosine hydroxylase; minus strand). Cytogenetic location: 11p15.5.
Variant type: single nucleotide variant.
Coding change: c.222G>C on transcript NM_000360.4 (MANE Select); coding-DNA position 222, G replaced by C.
Protein change: p.Glu74Asp; replaces glutamic acid 74 with aspartic acid.
Molecular consequence: missense variant.
Genome position (GRCh38, 1-based): chr11:2,169,740, C>G on the plus strand (G>C on the coding strand, the complement: TH is on the minus strand). VCF-style: chr11-2169740-C-G. GRCh37 (hg19) VCF-style: chr11-2190970-C-G.
Other names: c.315G>C, p.Glu105Asp (NM_199292.3); c.303G>C, p.Glu101Asp (NM_199293.3); short protein forms E101D, E105D, E74D.
Identifiers: ClinVar variation 1947241 (VCV001947241.3), dbSNP rs779373469, ClinGen allele CA5818755.

ClinVar aggregate classification (germline): Uncertain significance (1 of 4 stars; one submission).

Conditions:
TH-deficient dopa-responsive dystonia. Also called: Tyrosine Hydroxylase-Deficient Dopa-Responsive Dystonia; Segawa syndrome, autosomal recessive; DYT-TH. Identifiers: Orphanet 101150, MedGen C2673535, MONDO:0011551, OMIM 605407.

Allele frequency attached by ClinVar (database versions not stated): gnomAD exomes below 0.00001; ExAC 0.00001.

Submission:

Labcorp Genetics (formerly Invitae), Labcorp
Classification: Uncertain significance for TH-deficient dopa-responsive dystonia. Last evaluated: 2022-08-16. Review status: criteria provided, single submitter. Criteria: Invitae Variant Classification Sherloc (09022015). Collection method: clinical testing. Allele origin: germline.
Comment: In summary, the available evidence is currently insufficient to determine the role of this variant in disease. Therefore, it has been classified as a Variant of Uncertain Significance. Advanced modeling of protein sequence and biophysical properties (such as structural, functional, and spatial information, amino acid conservation, physicochemical variation, residue mobility, and thermodynamic stability) performed at Invitae indicates that this missense variant is not expected to disrupt TH protein function. This variant has not been reported in the literature in individuals affected with TH-related conditions. This variant is present in population databases (rs779373469, gnomAD 0.006%). This sequence change replaces glutamic acid, which is acidic and polar, with aspartic acid, which is acidic and polar, at codon 105 of the TH protein (p.Glu105Asp).